The following is an entry in ClinVar:

NM_004341.5(CAD):c.1330C>T (p.Gln444Ter)

Gene: CAD (carbamoyl-phosphate synthetase 2, aspartate transcarbamylase, and dihydroorotase; plus strand). Cytogenetic location: 2p23.3.
Variant type: single nucleotide variant.
Coding change: c.1330C>T on transcript NM_004341.5 (MANE Select); coding-DNA position 1330, C replaced by T.
Protein change: p.Gln444Ter; replaces glutamine 444 with a stop codon.
Molecular consequence: nonsense.
Genome position (GRCh38, 1-based): chr2:27,224,820, C>T. VCF-style: chr2-27224820-C-T. GRCh37 (hg19) VCF-style: chr2-27447688-C-T.
Other names: c.1330C>T, p.Gln444Ter (NM_001306079.2); short protein forms Q444*.
Identifiers: ClinVar variation 2712563 (VCV002712563.3), dbSNP rs2465297923, ClinGen allele CA346204413.

ClinVar aggregate classification (germline): Pathogenic (1 of 4 stars; one submission).

Submission:

Labcorp Genetics (formerly Invitae), Labcorp
Classification: Pathogenic. Last evaluated: 2023-06-12. Review status: criteria provided, single submitter. Criteria: Invitae Variant Classification Sherloc (09022015). Collection method: clinical testing. Allele origin: germline.
Comment: For these reasons, this variant has been classified as Pathogenic. This variant has not been reported in the literature in individuals affected with CAD-related conditions. This variant is not present in population databases (gnomAD no frequency). This sequence change creates a premature translational stop signal (p.Gln444*) in the CAD gene. It is expected to result in an absent or disrupted protein product. Loss-of-function variants in CAD are known to be pathogenic (PMID: 28007989, 32117025, 32820246, 33497533).

Literature cited by the submitters: PubMed 28007989; PubMed 32117025; PubMed 32820246; PubMed 33497533.